The following is an entry in ClinVar:

NM_002230.4(JUP):c.1654G>A (p.Asp552Asn)

Gene: JUP (junction plakoglobin; minus strand). Cytogenetic location: 17q21.2.
Variant type: single nucleotide variant.
Coding change: c.1654G>A on transcript NM_002230.4 (MANE Select); coding-DNA position 1654, G replaced by A.
Protein change: p.Asp552Asn; replaces aspartic acid 552 with asparagine.
Molecular consequence: missense variant.
Genome position (GRCh38, 1-based): chr17:41,758,518, C>T on the plus strand (G>A on the coding strand, the complement: JUP is on the minus strand). VCF-style: chr17-41758518-C-T. GRCh37 (hg19) VCF-style: chr17-39914770-C-T.
Other names: c.1654G>A, p.Asp552Asn (NM_001352773.2, NM_001352774.2, NM_001352775.2 and 3 more transcripts); c.1654G>A (NM_002230.2); short protein forms D552N.
Identifiers: ClinVar variation 1058019 (VCV001058019.6), dbSNP rs2143451579, ClinGen allele CA399493355.

ClinVar aggregate classification (germline): Uncertain significance. Review status: criteria provided, multiple submitters, no conflicts (2 of 4 stars). 2 submissions from 2 submitters: Uncertain significance (2). Last evaluated 2025-05-17.

Conditions:
Cardiovascular phenotype. Identifiers: MedGen CN230736.
Arrhythmogenic right ventricular dysplasia 12. Also called: ARRHYTHMOGENIC RIGHT VENTRICULAR DYSPLASIA, FAMILIAL, 12. Identifiers: MedGen C1969081, MONDO:0012684, OMIM 611528.
Naxos disease (NXD). Also called: CARDIOMYOPATHY, ARRHYTHMOGENIC RIGHT VENTRICULAR, WITH SKIN, HAIR, AND NAIL ABNORMALITIES; KERATOSIS PALMOPLANTARIS WITH ARRHYTHMOGENIC CARDIOMYOPATHY; MAL DE NAXOS; PALMOPLANTAR KERATODERMA WITH ARRHYTHMOGENIC RIGHT VENTRICULAR CARDIOMYOPATHY AND WOOLLY HAIR; WOOLLY HAIR, PALMOPLANTAR KERATODERMA, AND CARDIAC ABNORMALITIES. Identifiers: Orphanet 34217, MedGen C1832600, MONDO:0011017, OMIM 601214.

Allele frequency attached by ClinVar (database versions not stated): gnomAD exomes 0.00001.
gnomAD v4.1: 9 of 1,609,654 alleles (0.00056%); highest among the groups gnomAD compares: Non-Finnish European, 0.00077%; no homozygotes.

Submissions (2):

Ambry Genetics
Classification: Uncertain significance for Cardiovascular phenotype. Last evaluated: 2025-05-17. Review status: criteria provided, single submitter. Criteria: Ambry Variant Classification Scheme 2023. Collection method: clinical testing. Allele origin: germline.
Comment: The p.D552N variant (also known as c.1654G>A) is located in coding exon 9 of the JUP gene. The aspartic acid at codon 552 is replaced by asparagine, an amino acid with highly similar properties. This change occurs in the first base pair of coding exon 9. This amino acid position is conserved. In addition, this alteration is predicted to be tolerated by in silico analysis. Based on the available evidence, the clinical significance of this variant remains unclear.

Labcorp Genetics (formerly Invitae), Labcorp
Classification: Uncertain significance for Arrhythmogenic right ventricular dysplasia 12; Naxos disease. Last evaluated: 2023-12-11. Review status: criteria provided, single submitter. Criteria: Invitae Variant Classification Sherloc (09022015). Collection method: clinical testing. Allele origin: germline.
Comment: This sequence change replaces aspartic acid, which is acidic and polar, with asparagine, which is neutral and polar, at codon 552 of the JUP protein (p.Asp552Asn). This variant is not present in population databases (gnomAD no frequency). This variant has not been reported in the literature in individuals affected with JUP-related conditions. ClinVar contains an entry for this variant (Variation ID: 1058019). An algorithm developed to predict the effect of missense changes on protein structure and function (PolyPhen-2) suggests that this variant¬†is likely to be tolerated. In summary, the available evidence is currently insufficient to determine the role of this variant in disease. Therefore, it has been classified as a Variant of Uncertain Significance.